The following is an entry in ClinVar:

ClinVar aggregate classification (germline): Conflicting classifications of pathogenicity. Review status: criteria provided, conflicting classifications (1 of 4 stars). 7 submissions from 7 submitters: Pathogenic (1); Likely pathogenic (2); Uncertain significance (2). 2 of the submissions do not count toward it. Last evaluated 2026-08-28.

Conditions:
ACTL6B-related disorder. Also called: ACTL6B-related condition.
Developmental and epileptic encephalopathy, 76. Also called: EPILEPTIC ENCEPHALOPATHY, EARLY INFANTILE, 76; DEVELOPMENTAL DELAY, EPILEPTIC ENCEPHALOPATHY, CEREBRAL ATROPHY, AND ABNORMAL MYELINATION. Identifiers: MedGen C5193113, MONDO:0032768, OMIM 618468.
ACTL6B-related recessive epilepsy.

Submissions (7):

GeneDx
Classification: Uncertain significance. Last evaluated: 2026-08-28. Review status: criteria provided, single submitter. Criteria: GeneDx Variant Classification Process June 2021. Collection method: clinical testing. Allele origin: germline.
Comment: In silico analysis supports a deleterious effect on protein structure/function; In-frame deletion of 1 amino acid(s) in a non-repeat region; This variant is associated with the following publications: (PMID: 31031012)

OLLIN Analises Genomicas, OLLIN
Classification: Likely pathogenic for Developmental and epileptic encephalopathy, 76. Last evaluated: 2026-08-06. Review status: criteria provided, single submitter. Criteria: ACMG Guidelines 2015 PMID 25741868. Collection method: clinical testing. Allele origin: germline. Inheritance: Autosomal recessive inheritance.
Comment: This in-frame deletion, located in exon 5 (of 14), has been reported in ClinVar (accession VCV000635103.7), in gnomAD with an allele frequency of 0.0011%, and in the scientific literature, in compound heterozygosity, in individuals with ACTL6B related disorders (PMID: 31031012). This variant removes 1 amino acid, preserving the reading frame and leading to a reduced protein length. Functional studies suggest that this variant may affect protein function (PMID: 31031012). According to the currently available evidence, this variant has been classified as likely pathogenic (PS3_P, PM2_P, PM3, PM4).

PreventionGenetics, part of Exact Sciences
Classification: Likely pathogenic for ACTL6B-related condition. Last evaluated: 2025-03-24. Review status: criteria provided, single submitter. Criteria: ACMG Guidelines, 2015. Collection method: clinical testing. Allele origin: germline.
Comment: The ACTL6B c.441_443delCTT variant is predicted to result in an in-frame deletion (p.Phe147del). This variant has been reported in the homozygous or compound heterozygous state in several individuals with ACTL6B-related neurodevelopmental disorders (Bell et al. 2019. PubMed ID: 31031012; Supplementary Table S1, Valencia et al. 2023. PubMed ID: 37500730; Supplemental Tables 1 and 6, Cali et al. 2024. PubMed ID: 39275948). This variant is reported in 0.0040% of alleles in individuals of African descent in gnomAD. This variant is interpreted to be likely pathogenic for autosomal recessive disease.

Mendelics
Classification: Pathogenic for Developmental and epileptic encephalopathy, 76. Last evaluated: 2022-05-04. Review status: criteria provided, single submitter. Criteria: Mendelics Assertion Criteria 2019. Collection method: clinical testing. Allele origin: germline.

SIB Swiss Institute of Bioinformatics
Classification: Uncertain significance for Developmental and epileptic encephalopathy, 76. Last evaluated: 2019-07-28. Review status: criteria provided, single submitter. Criteria: ACMG Guidelines, 2015. Collection method: curation. Allele origin: unknown.
Comment: This variant is interpreted as a variant of uncertain significance for Epileptic encephalopathy, early infantile, 76, autosomal recessive. The following ACMG Tag(s) were applied: PM2, PS3-supporting.

OMIM
Classification: Pathogenic for EPILEPTIC ENCEPHALOPATHY, EARLY INFANTILE, 76. Last evaluated: 2020-11-25. Review status: no assertion criteria provided. Collection method: literature only. Allele origin: germline. Not counted in ClinVar's aggregate classification.

CHU Sainte-Justine Research Center, University of Montreal
Classification: Likely pathogenic for ACTL6B-related recessive epilepsy. Last evaluated: 2019-03-01. Review status: no assertion criteria provided. Collection method: research. Allele origin: germline. Affected: yes. Not counted in ClinVar's aggregate classification.

Literature cited by the submitters: PubMed 31031012 (cited by 3 submitters).

NM_016188.5(ACTL6B):c.435CTT[2] (p.Phe147del)

Gene: ACTL6B (actin like 6B; minus strand). Cytogenetic location: 7q22.1.
Variant type: Microsatellite.
Coding change: c.435CTT[2] on transcript NM_016188.5 (MANE Select); two copies in a row of the 3-base unit CTT starting at c.435; the reference has three copies in a row; one copy, 3 bases deleted.
Protein change: p.Phe147del; deletes phenylalanine 147.
Molecular consequence: inframe deletion. On other transcripts: non-coding transcript variant (1).
Genome position (GRCh38, 1-based): chr7:100,650,062-100,650,064, AAG deleted on the plus strand (CTT on the coding strand, the reverse complement: ACTL6B is on the minus strand); deleting any 3 consecutive bases within chr7:100,650,062-100,650,070 gives the same sequence; the position shown is the placement nearest the transcript's 3' end. VCF-style (leftmost placement, unchanged base first): chr7-100650061-TAAG-T. GRCh37 (hg19) VCF-style: chr7-100247684-TAAG-T.
Other names: c.441delCTT (NM_016188.4); c.441_443delCTT (NM_016188.5, NM_016188.4); short protein forms F147del.
Identifiers: ClinVar variation 635103 (VCV000635103.9), dbSNP rs772520618, ClinGen allele CA4387266.
Genomic context (GRCh38, chr7:100,650,061, plus strand): 5'-CCTCCACCCAGTCAGAGCAGCTCAGTCCAGAGGATACGCGGTGAGCACAGCCGTCTTGCA[TAAG>T]AAGAAGGCAGGAATGTTGTACTGCTCGAACATCAGCTCTGTCAGCTTCTCCCGCTTGGCC-3'